The following is an entry in ClinVar:

NM_001003722.2(GLE1):c.1512del (p.Val505fs)

Genes: GLE1 (GLE1 RNA export mediator; plus strand), LOC101929270 (uncharacterized LOC101929270; minus strand). Cytogenetic location: 9q34.11.
Variant type: Deletion.
Coding change: c.1512del on transcript NM_001003722.2 (MANE Select); coding-DNA position 1512, one base deleted (T; older notation c.1512delT).
Protein change: p.Val505fs; shifts the reading frame from valine 505.
Molecular consequence: frameshift variant.
Genome position (GRCh38, 1-based): chr9:128,533,817, T deleted; the last of 2 consecutive T bases (chr9:128,533,816-128,533,817); deleting either gives the same sequence. VCF-style (leftmost placement, unchanged base first): chr9-128533815-GT-G. GRCh37 (hg19) VCF-style: chr9-131296094-GT-G.
Other names: c.1512del, p.Val505fs (NM_001499.2); short protein forms V505fs.
Identifiers: ClinVar variation 960374 (VCV000960374.8), dbSNP rs1487298929, ClinGen allele CA590941422.

ClinVar aggregate classification (germline): Pathogenic (1 of 4 stars; one submission).

Submission:

Labcorp Genetics (formerly Invitae), Labcorp
Classification: Pathogenic. Last evaluated: 2023-12-21. Review status: criteria provided, single submitter. Criteria: Invitae Variant Classification Sherloc (09022015). Collection method: clinical testing. Allele origin: germline.
Comment: This sequence change creates a premature translational stop signal (p.Val505Trpfs*51) in the GLE1 gene. It is expected to result in an absent or disrupted protein product. Loss-of-function variants in GLE1 are known to be pathogenic (PMID: 18204449, 24243016, 27684565). This variant is present in population databases (no rsID available, gnomAD 0.007%). This variant has not been reported in the literature in individuals affected with GLE1-related conditions. ClinVar contains an entry for this variant (Variation ID: 960374). For these reasons, this variant has been classified as Pathogenic.

Literature cited by the submitters: PubMed 18204449; PubMed 24243016; PubMed 27684565.